The following is an entry in ClinVar:

ClinVar aggregate classification (germline): Likely pathogenic (1 of 4 stars; one submission).

Conditions:
Intellectual developmental disorder with speech delay, dysmorphic facies, and t-cell abnormalities. Also called: BCL11B-related BAFopathy. Identifiers: Orphanet 662829, MedGen C4748152, MONDO:0060763, OMIM 618092.

gnomAD v4.1: 1 of 1,613,418 alleles (0.000062%); highest among the groups gnomAD compares: Non-Finnish European, 0.000085%; no homozygotes.

Submission:

Groupe Hospitalier Pitie Salpetriere, Uf Genomique Du Developpement, Assistance Publique Hopitaux de Paris Sorbonne Université
Classification: Likely pathogenic for Intellectual developmental disorder with speech delay, dysmorphic facies, and t-cell abnormalities. Last evaluated: 2021-04-01. Review status: criteria provided, single submitter. Criteria: ACMG Guidelines, 2015. Collection method: clinical testing. Allele origin: germline. Affected: yes.
Comment: This variant is found de novo (PS2), located in a mutational hot spot and or critical functional domain without benign variation (PM1), absent or extremely rare in population databases (PM2_supp) and multiple lines of computational evidence support a deleterious effect on the gene or gene product (PP3)

NM_138576.4(BCL11B):c.2522G>A (p.Arg841His)

Gene: BCL11B (BCL11 transcription factor B; minus strand). Cytogenetic location: 14q32.2.
Variant type: single nucleotide variant.
Coding change: c.2522G>A on transcript NM_138576.4 (MANE Select); coding-DNA position 2522, G replaced by A.
Protein change: p.Arg841His; replaces arginine 841 with histidine.
Molecular consequence: missense variant.
Genome position (GRCh38, 1-based): chr14:99,174,314, C>T on the plus strand (G>A on the coding strand, the complement: BCL11B is on the minus strand). VCF-style: chr14-99174314-C-T. GRCh37 (hg19) VCF-style: chr14-99640651-C-T.
Other names: c.2519G>A, p.Arg840His (NM_001282237.2); c.2306G>A, p.Arg769His (NM_001282238.2); c.2309G>A, p.Arg770His (NM_022898.3); short protein forms R769H, R770H, R840H, R841H.
Identifiers: ClinVar variation 4813342 (VCV004813342.1).